The following is an entry in ClinVar:

NM_000059.4(BRCA2):c.8415_8416delinsC (p.Leu2805fs)

Gene: BRCA2 (BRCA2 DNA repair associated; plus strand). Cytogenetic location: 13q13.1.
Variant type: Indel.
Coding change: c.8415_8416delinsC on transcript NM_000059.4 (MANE Select); coding-DNA positions 8415 to 8416, AT replaced by C.
Protein change: p.Leu2805fs; shifts the reading frame from leucine 2805.
Molecular consequence: frameshift variant. On other transcripts: non-coding transcript variant (1).
Genome position (GRCh38, 1-based): chr13:32,370,485-32,370,486, AT replaced by C. VCF-style: chr13-32370485-AT-C. GRCh37 (hg19) VCF-style: chr13-32944622-AT-C.
Other names: c.8319_8320delinsC, p.Leu2773fs (NM_001406719.1); c.8415_8416delinsC, p.Leu2805fs (NM_001406720.1, NM_001432077.1); c.3483_3484delinsC, p.Leu1161fs (NM_001406721.1); c.1998_1999delinsC, p.Leu666fs (NM_001406722.1); short protein forms L2805fs, L666fs, L2773fs, L1161fs.
Identifiers: ClinVar variation 4775722 (VCV004775722.1).

ClinVar aggregate classification (germline): Pathogenic (1 of 4 stars; one submission).

Conditions:
Hereditary breast ovarian cancer syndrome. Also called: Breast and ovarian cancer; Hereditary breast and ovarian cancer syndrome; Hereditary breast and ovarian cancer syndrome (HBOC); BRCA1- and BRCA2-Associated Hereditary Breast and Ovarian Cancer; Hereditary breast and/or ovarian cancer syndrome; Hereditary breast and ovarian cancer. Identifiers: Orphanet 145, MedGen C0677776, MeSH D061325, MONDO:0003582. Disease mechanism: loss of function.

Submission:

Labcorp Genetics (formerly Invitae), Labcorp
Classification: Pathogenic for Hereditary breast ovarian cancer syndrome. Last evaluated: 2019-08-29. Review status: criteria provided, single submitter. Criteria: Invitae Variant Classification Sherloc (09022015). Collection method: clinical testing. Allele origin: germline.
Comment: For these reasons, this variant has been classified as Pathogenic. Loss-of-function variants in BRCA2 are known to be pathogenic (PMID: 20104584). A set of variants that result in a similar protein effect have been reported in the literature in an individual affected with early-onset breast cancer. In this individual, two variants were described - a frameshift, c.8415_8416delAT (called 8643delAT), and a missense, c.8416T>C (called T8642C). If these two variants are in cis, they would result in the same variant observed here (c.8414_8416delinsC). However, the phase of these variants was not determined in the reported individual (PMID: 12942367). ClinVar contains an entry for this variant (Variation ID: 38159). This variant is not present in population databases (ExAC no frequency). This sequence change deletes 3 nucleotides and inserts 1 nucleotide in exon 19 of the BRCA2 mRNA (c.8414_8416delinsC), causing a frameshift at codon 2805. This creates a premature translational stop signal (p.Leu2805Serfs*6) and is expected to result in an absent or disrupted protein product.

Literature cited by the submitters: PubMed 20104584; PubMed 12942367.